The following is an entry in ClinVar:

NM_025137.4(SPG11):c.66G>A (p.Met22Ile)

Gene: SPG11 (SPG11 vesicle trafficking associated, spatacsin; minus strand). Cytogenetic location: 15q21.1.
Variant type: single nucleotide variant.
Coding change: c.66G>A on transcript NM_025137.4 (MANE Select); coding-DNA position 66, G replaced by A.
Protein change: p.Met22Ile; replaces methionine 22 with isoleucine.
Molecular consequence: missense variant.
Genome position (GRCh38, 1-based): chr15:44,663,582, C>T on the plus strand (G>A on the coding strand, the complement: SPG11 is on the minus strand). VCF-style: chr15-44663582-C-T. GRCh37 (hg19) VCF-style: chr15-44955780-C-T.
Other names: c.66G>A, p.Met22Ile (NM_001160227.2); short protein forms M22I.
Identifiers: ClinVar variation 948119 (VCV000948119.5), dbSNP rs1168936368, ClinGen allele CA392238845.

ClinVar aggregate classification (germline): Uncertain significance (1 of 4 stars; one submission).

Conditions:
Hereditary spastic paraplegia 11. Also called: Spastic Paraplegia 11; Nakamura Osame syndrome; Autosomal recessive hereditary spastic paraplegia, mental impairment, and thin corpus callosum; Spastic paraplegia, mental retardation and thin corpus callosum; SPASTIC PARAPLEGIA, AUTOSOMAL RECESSIVE, COMPLICATED, WITH THIN CORPUS CALLOSUM; SPASTIC PARAPLEGIA, AUTOSOMAL RECESSIVE, WITH MENTAL IMPAIRMENT AND THIN CORPUS CALLOSUM. Identifiers: Orphanet 2822, MedGen C1858479, MONDO:0011445, OMIM 604360.

Allele frequency attached by ClinVar (database versions not stated): gnomAD exomes below 0.00001 and 0.00001; TOPMed 0.00001; gnomAD 0.00003.
gnomAD v4.1: 24 of 1,596,808 alleles (0.0015%); highest among the groups gnomAD compares: Non-Finnish European, 0.002%; no homozygotes.

Submission:

Labcorp Genetics (formerly Invitae), Labcorp
Classification: Uncertain significance for Hereditary spastic paraplegia 11. Last evaluated: 2021-09-16. Review status: criteria provided, single submitter. Criteria: Invitae Variant Classification Sherloc (09022015). Collection method: clinical testing. Allele origin: germline.
Comment: This sequence change replaces methionine with isoleucine at codon 22 of the SPG11 protein (p.Met22Ile). The methionine residue is moderately conserved and there is a small physicochemical difference between methionine and isoleucine. This variant is not present in population databases (ExAC no frequency). This variant has not been reported in the literature in individuals affected with SPG11-related conditions. Algorithms developed to predict the effect of missense changes on protein structure and function are either unavailable or do not agree on the potential impact of this missense change (SIFT: "Tolerated"; PolyPhen-2: "Not Available"; Align-GVGD: "Class C0"). Algorithms developed to predict the effect of sequence changes on RNA splicing suggest that this variant may create or strengthen a splice site. In summary, the available evidence is currently insufficient to determine the role of this variant in disease. Therefore, it has been classified as a Variant of Uncertain Significance.